The following is an entry in ClinVar:

NM_003072.5(SMARCA4):c.3002C>T (p.Ser1001Phe)

Gene: SMARCA4 (SWI/SNF related BAF chromatin remodeling complex subunit ATPase 4; plus strand). Cytogenetic location: 19p13.2.
Variant type: single nucleotide variant.
Coding change: c.3002C>T on transcript NM_003072.5 (MANE Select); coding-DNA position 3002, C replaced by T.
Protein change: p.Ser1001Phe; replaces serine 1001 with phenylalanine.
Molecular consequence: missense variant. On other transcripts: non-coding transcript variant (1).
Genome position (GRCh38, 1-based): chr19:11,024,359, C>T. VCF-style: chr19-11024359-C-T. GRCh37 (hg19) VCF-style: chr19-11135035-C-T.
Other names: c.3002C>T, p.Ser1001Phe (NM_001128844.3, NM_001128845.2, NM_001128846.2 and 6 more transcripts); short protein forms S1001F.
Identifiers: ClinVar variation 5029883 (VCV005029883.1).

ClinVar aggregate classification (germline): Uncertain significance (1 of 4 stars; one submission).

Conditions:
Hereditary cancer-predisposing syndrome. Also called: Neoplastic Syndromes, Hereditary; Tumor predisposition; Hereditary neoplastic syndrome; Hereditary Cancer Syndrome. Identifiers: Orphanet 140162, MedGen C0027672, MeSH D009386, MONDO:0015356.

Submission:

Ambry Genetics
Classification: Uncertain significance for Hereditary cancer-predisposing syndrome. Last evaluated: 2026-08-16. Review status: criteria provided, single submitter. Criteria: Ambry Variant Classification Scheme 2023. Collection method: clinical testing. Allele origin: germline.
Comment: The p.S1001F variant (also known as c.3002C>T), located in coding exon 20 of the SMARCA4 gene, results from a C to T substitution at nucleotide position 3002. The serine at codon 1001 is replaced by phenylalanine, an amino acid with highly dissimilar properties. This amino acid position is conserved. In addition, this alteration is predicted to be deleterious by in silico analysis. Based on the available evidence, the clinical significance of this variant remains unclear.